The following is an entry in ClinVar:

NM_018124.4(RFWD3):c.765C>T (p.Ile255=)

Gene: RFWD3 (ring finger and WD repeat domain 3; minus strand). Cytogenetic location: 16q23.1.
Variant type: single nucleotide variant.
Coding change: c.765C>T on transcript NM_018124.4 (MANE Select); coding-DNA position 765, C replaced by T.
Protein change: p.Ile255=; no amino-acid change (isoleucine 255 retained).
Molecular consequence: synonymous variant. On other transcripts: 5 prime UTR variant (3), intron variant (2).
Genome position (GRCh38, 1-based): chr16:74,649,159, G>A on the plus strand (C>T on the coding strand, the complement: RFWD3 is on the minus strand). VCF-style: chr16-74649159-G-A. GRCh37 (hg19) VCF-style: chr16-74683057-G-A.
Other names: c.765C>T, p.Ile255= (NM_001370534.1, NM_001370535.1, NM_001370536.1); c.-244C>T (NM_001370537.1); c.-70C>T (NM_001370539.1, NM_001370540.1, NM_001370541.1); c.-43+2761C>T (NM_001370543.1); c.-164-81C>T (NM_001370542.1).
Identifiers: ClinVar variation 2646858 (VCV002646858.27), dbSNP rs762552515, ClinGen allele CA8169457.
Genomic context (GRCh38, chr16:74,649,159, plus strand): 5'-AAATAGATTTTTTTAAAATGATGTTCATATTACCTGTTTGGGGAGGGTCTTGCCTCCATC[G>A]ATACATGTAACTTCTTGCTCTGCTGAGACACCTGCTAGTTGCTCTGCCAAGTCATTTCCA-3'
Protein context (NP_060594.3, residues 245-265): GVSAEQEVTC[Ile255=]DGGKTLPKQP

ClinVar aggregate classification (germline): Likely benign. Review status: criteria provided, multiple submitters, no conflicts (2 of 4 stars). 2 submissions from 2 submitters: Likely benign (2). Last evaluated 2025-10-25.

Allele frequency attached by ClinVar (database versions not stated): TOPMed 0.00002.
gnomAD v4.1: 45 of 1,570,554 alleles (0.0029%); highest among the groups gnomAD compares: Middle Eastern, 0.017%; no homozygotes.

Submissions (2):

Labcorp Genetics (formerly Invitae), Labcorp
Classification: Likely benign. Last evaluated: 2025-10-25. Review status: criteria provided, single submitter. Criteria: Invitae Variant Classification Sherloc (09022015). Collection method: clinical testing. Allele origin: germline.

CeGaT Center for Human Genetics Tuebingen
Classification: Likely benign. Last evaluated: 2022-04-01. Review status: criteria provided, single submitter. Criteria: CeGaT Center For Human Genetics Tuebingen Variant Classification Criteria Version 2. Collection method: clinical testing. Allele origin: germline. Affected: yes. Observed: 1 variant allele.
Comment: RFWD3: BP4, BP7